The following is an entry in ClinVar:

NM_001195263.2(PDZD7):c.1976C>T (p.Pro659Leu)

Gene: PDZD7 (PDZ domain containing 7; minus strand). Cytogenetic location: 10q24.31.
Variant type: single nucleotide variant.
Coding change: c.1976C>T on transcript NM_001195263.2 (MANE Select); coding-DNA position 1976, C replaced by T.
Protein change: p.Pro659Leu; replaces proline 659 with leucine.
Molecular consequence: missense variant.
Genome position (GRCh38, 1-based): chr10:101,011,719, G>A on the plus strand (C>T on the coding strand, the complement: PDZD7 is on the minus strand). VCF-style: chr10-101011719-G-A. GRCh37 (hg19) VCF-style: chr10-102771476-G-A.
Other names: short protein forms P659L.
Identifiers: ClinVar variation 1035104 (VCV001035104.8), dbSNP rs1042000604, ClinGen allele CA212979454.
Genomic context (GRCh38, chr10:101,011,719, plus strand): 5'-CCCCTCCCTGGGCTCTGGGACTCTGACTGACCAGGCACGGGGGTGATAAGGTGACGCTTG[G>A]GTGGCGTGTCCTGCCGGGCTGGTCTCAAAGCAGGAGGCCGGACTGGTTGGAGAGATGAAC-3'
Protein context (NP_001182192.1, residues 649-669): ALRPARQDTP[Pro659Leu]KRHLITPVPD

ClinVar aggregate classification (germline): Uncertain significance (1 of 4 stars; one submission).

Allele frequency attached by ClinVar (database versions not stated): gnomAD exomes 0.00003 and 0.00008; TOPMed 0.00003; gnomAD 0.00004.

Submission:

Labcorp Genetics (formerly Invitae), Labcorp
Classification: Uncertain significance. Last evaluated: 2022-10-13. Review status: criteria provided, single submitter. Criteria: Invitae Variant Classification Sherloc (09022015). Collection method: clinical testing. Allele origin: germline.
Comment: In summary, the available evidence is currently insufficient to determine the role of this variant in disease. Therefore, it has been classified as a Variant of Uncertain Significance. Advanced modeling of protein sequence and biophysical properties (such as structural, functional, and spatial information, amino acid conservation, physicochemical variation, residue mobility, and thermodynamic stability) performed at Invitae indicates that this missense variant is not expected to disrupt PDZD7 protein function. ClinVar contains an entry for this variant (Variation ID: 1035104). This variant has not been reported in the literature in individuals affected with PDZD7-related conditions. This variant is present in population databases (no rsID available, gnomAD 0.007%). This sequence change replaces proline, which is neutral and non-polar, with leucine, which is neutral and non-polar, at codon 659 of the PDZD7 protein (p.Pro659Leu).